The following is an entry in ClinVar:

NM_002299.4(LCT):c.268T>C (p.Phe90Leu)

Gene: LCT (lactase; minus strand). Cytogenetic location: 2q21.3.
Variant type: single nucleotide variant.
Coding change: c.268T>C on transcript NM_002299.4 (MANE Select); coding-DNA position 268, T replaced by C.
Protein change: p.Phe90Leu; replaces phenylalanine 90 with leucine.
Molecular consequence: missense variant.
Genome position (GRCh38, 1-based): chr2:135,836,902, A>G on the plus strand (T>C on the coding strand, the complement: LCT is on the minus strand). VCF-style: chr2-135836902-A-G. GRCh37 (hg19) VCF-style: chr2-136594472-A-G.
Other names: c.268T>C (NM_002299.2); short protein forms F90L.
Identifiers: ClinVar variation 1394061 (VCV001394061.7), dbSNP rs781603168, ClinGen allele CA1888670.

ClinVar aggregate classification (germline): Uncertain significance. Review status: criteria provided, multiple submitters, no conflicts (2 of 4 stars). 2 submissions from 2 submitters: Uncertain significance (2). Last evaluated 2024-05-30.

Conditions:
Inborn genetic diseases. Identifiers: MedGen C0950123, MeSH D030342.

Allele frequency attached by ClinVar (database versions not stated): gnomAD 0.00001; gnomAD exomes 0.00002 and 0.00003; ExAC 0.00007.

Submissions (2):

Ambry Genetics
Classification: Uncertain significance for Inborn genetic diseases. Last evaluated: 2024-05-30. Review status: criteria provided, single submitter. Criteria: Ambry Variant Classification Scheme 2023. Collection method: clinical testing. Allele origin: germline.

Labcorp Genetics (formerly Invitae), Labcorp
Classification: Uncertain significance. Last evaluated: 2024-02-24. Review status: criteria provided, single submitter. Criteria: Invitae Variant Classification Sherloc (09022015). Collection method: clinical testing. Allele origin: germline.
Comment: This sequence change replaces phenylalanine, which is neutral and non-polar, with leucine, which is neutral and non-polar, at codon 90 of the LCT protein (p.Phe90Leu). This variant is present in population databases (rs781603168, gnomAD 0.02%). This variant has not been reported in the literature in individuals affected with LCT-related conditions. ClinVar contains an entry for this variant (Variation ID: 1394061). Algorithms developed to predict the effect of missense changes on protein structure and function output the following: SIFT: "Not Available"; PolyPhen-2: "Benign"; Align-GVGD: "Not Available". The leucine amino acid residue is found in multiple mammalian species, which suggests that this missense change does not adversely affect protein function. In summary, the available evidence is currently insufficient to determine the role of this variant in disease. Therefore, it has been classified as a Variant of Uncertain Significance.